The following is an entry in ClinVar:

NM_000138.5(FBN1):c.2711A>G (p.Lys904Arg)

Gene: FBN1 (fibrillin 1; minus strand). Cytogenetic location: 15q21.1.
Variant type: single nucleotide variant.
Coding change: c.2711A>G on transcript NM_000138.5 (MANE Select); coding-DNA position 2711, A replaced by G.
Protein change: p.Lys904Arg; replaces lysine 904 with arginine.
Molecular consequence: missense variant.
Genome position (GRCh38, 1-based): chr15:48,494,221, T>C on the plus strand (A>G on the coding strand, the complement: FBN1 is on the minus strand). VCF-style: chr15-48494221-T-C. GRCh37 (hg19) VCF-style: chr15-48786418-T-C.
Other names: short protein forms K904R.
Identifiers: ClinVar variation 852682 (VCV000852682.43), dbSNP rs778951277, ClinGen allele CA048517.

ClinVar aggregate classification (germline): Conflicting classifications of pathogenicity. Review status: criteria provided, conflicting classifications (1 of 4 stars). 8 submissions from 8 submitters: Uncertain significance (5); Likely benign (3). Last evaluated 2026-01-25.

Conditions:
Familial thoracic aortic aneurysm and aortic dissection (TAAD). Also called: Thoracic aortic aneurysms and dissections. Identifiers: Orphanet 91387, MedGen C4707243, MONDO:0019625.
Marfan syndrome (MFS). Also called: Marfan syndrome type 1; Marfan's syndrome; Marfan syndrome, classic; MARFAN SYNDROME, TYPE I; FBN1-Related Marfan Syndrome. Identifiers: Orphanet 284963, Orphanet 558, MedGen C0024796, MONDO:0007947, OMIM 154700.

Allele frequency attached by ClinVar (database versions not stated): gnomAD 0.00001; TOPMed 0.00001; ExAC 0.00002; gnomAD exomes 0.00002 and 0.00003.
gnomAD v4.1: 39 of 1,612,766 alleles (0.0024%); highest among the groups gnomAD compares: Non-Finnish European, 0.0031%; no homozygotes.

Submissions (8):

Labcorp Genetics (formerly Invitae), Labcorp
Classification: Likely benign for Marfan syndrome; Familial thoracic aortic aneurysm and aortic dissection. Last evaluated: 2026-01-25. Review status: criteria provided, single submitter. Criteria: Invitae Variant Classification Sherloc (09022015). Collection method: clinical testing. Allele origin: germline.

GeneDx
Classification: Uncertain significance. Last evaluated: 2025-04-23. Review status: criteria provided, single submitter. Criteria: GeneDx Variant Classification Process June 2021. Collection method: clinical testing. Allele origin: germline.
Comment: Not observed at significant frequency in large population cohorts (gnomAD); In silico analysis indicates that this missense variant does not alter protein structure/function; Does not affect a cysteine residue within a calcium-binding EGF-like domain or a TGF-binding protein domain of the FBN1 gene; cysteine substitutions in the calcium-binding EGF-like domains represent the majority of pathogenic missense changes associated with FBN1-related disorders (PMID: 12938084); Has not been previously published as pathogenic or benign to our knowledge; This variant is associated with the following publications: (PMID: 12938084)

Centre of Medical Genetics, University of Antwerp
Classification: Uncertain significance for Familial thoracic aortic aneurysm and aortic dissection. Last evaluated: 2024-09-06. Review status: criteria provided, single submitter. Criteria: ACMG Guidelines, 2015. Collection method: clinical testing. Allele origin: germline. Affected: yes.

Blueprint Genetics
Classification: Likely benign. Last evaluated: 2024-06-27. Review status: criteria provided, single submitter. Criteria: ACMG Guidelines, 2015. Collection method: clinical testing. Allele origin: germline.

All of Us Research Program, National Institutes of Health
Classification: Uncertain significance for Marfan syndrome. Last evaluated: 2024-06-11. Review status: criteria provided, single submitter. Criteria: ACMG Guidelines, 2015. Collection method: clinical testing. Allele origin: germline. Inheritance: Autosomal dominant inheritance. Observed: 6 variant alleles, 6 heterozygotes.
Comment: This missense variant replaces lysine with arginine at codon 904 of the FBN1 protein. Computational prediction suggests that this variant may not impact protein structure and function (internally defined REVEL score threshold <= 0.5, PMID: 27666373). To our knowledge, functional studies have not been reported for this variant. This variant has not been reported in individuals affected with cardiovascular disorders in the literature. This variant has been identified in 4/251068 chromosomes in the general population by the Genome Aggregation Database (gnomAD). The available evidence is insufficient to determine the role of this variant in disease conclusively. Therefore, this variant is classified as a Variant of Uncertain Significance.

This study involves interpretation of variants in research participants for the purpose of population health screening. Participant phenotype was not available at the time of variant classification. Additional details can be found in publication PMID: 35346344, PMCID: PMC8962531

Color Diagnostics, LLC DBA Color Health
Classification: Uncertain significance for Familial thoracic aortic aneurysm and aortic dissection. Last evaluated: 2024-03-25. Review status: criteria provided, single submitter. Criteria: ACMG Guidelines, 2015. Collection method: clinical testing. Allele origin: germline.
Comment: This missense variant replaces lysine with arginine at codon 904 of the FBN1 protein.Computational prediction tools indicate that this variant has a neutral impact on protein structure and function. To our knowledge, functional studies have not been reported for this variant. This variant has not been reported in individuals affected with FBN1-related disorders in the literature. This variant has been identified in 4/251068 chromosomes in the general population by the Genome Aggregation Database (gnomAD). The available evidence is insufficient to determine the role of this variant in disease conclusively. Therefore, this variant is classified as a Variant of Uncertain Significance.

CeGaT Center for Human Genetics Tuebingen
Classification: Likely benign. Last evaluated: 2023-08-01. Review status: criteria provided, single submitter. Criteria: CeGaT Center For Human Genetics Tuebingen Variant Classification Criteria Version 2. Collection method: clinical testing. Allele origin: germline. Affected: yes. Observed: 1 variant allele.
Comment: FBN1: BP4

Women's Health and Genetics/Laboratory Corporation of America, LabCorp
Classification: Uncertain significance. Last evaluated: 2019-02-18. Review status: criteria provided, single submitter. Criteria: LabCorp Variant Classification Summary - May 2015. Collection method: clinical testing. Allele origin: germline.
Comment: Variant summary: FBN1 c.2711A>G (p.Lys904Arg) results in a conservative amino acid change in the encoded protein sequence. Five of five in-silico tools predict a benign effect of the variant on protein function. The variant allele was found at a frequency of 1.8e-05 in 276916 control chromosomes (gnomAD). The available data on variant occurrences in the general population are insufficient to allow any conclusion about variant significance. To our knowledge, no occurrence of c.2711A>G in individuals affected with Aortopathy and no experimental evidence demonstrating its impact on protein function have been reported. No clinical diagnostic laboratories have submitted clinical-significance assessments for this variant to ClinVar after 2014. Based on the evidence outlined above, the variant was classified as uncertain significance.